The following is an entry in ClinVar:

ClinVar aggregate classification (germline): Uncertain significance (1 of 4 stars; one submission).

Allele frequency attached by ClinVar (database versions not stated): TOPMed below 0.00001; gnomAD 0.00001; ExAC 0.00002; 1000 Genomes Project 30x 0.00016; 1000 Genomes Project 0.00020.
gnomAD v4.1: 5 of 1,614,184 alleles (0.00031%); highest among the groups gnomAD compares: East Asian, 0.0022%; no homozygotes.

Submission:

Labcorp Genetics (formerly Invitae), Labcorp
Classification: Uncertain significance. Last evaluated: 2022-02-20. Review status: criteria provided, single submitter. Criteria: Invitae Variant Classification Sherloc (09022015). Collection method: clinical testing. Allele origin: germline.
Comment: This sequence change replaces histidine, which is basic and polar, with arginine, which is basic and polar, at codon 547 of the AK7 protein (p.His547Arg). This variant is present in population databases (rs573244932, gnomAD 0.01%). This variant has not been reported in the literature in individuals affected with AK7-related conditions. Algorithms developed to predict the effect of missense changes on protein structure and function (SIFT, PolyPhen-2, Align-GVGD) all suggest that this variant is likely to be tolerated. In summary, the available evidence is currently insufficient to determine the role of this variant in disease. Therefore, it has been classified as a Variant of Uncertain Significance.

NM_152327.5(AK7):c.1640A>G (p.His547Arg)

Gene: AK7 (adenylate kinase 7; plus strand). Cytogenetic location: 14q32.2.
Variant type: single nucleotide variant.
Coding change: c.1640A>G on transcript NM_152327.5 (MANE Select); coding-DNA position 1640, A replaced by G.
Protein change: p.His547Arg; replaces histidine 547 with arginine.
Molecular consequence: missense variant.
Genome position (GRCh38, 1-based): chr14:96,478,549, A>G. VCF-style: chr14-96478549-A-G. GRCh37 (hg19) VCF-style: chr14-96944886-A-G.
Other names: c.1571A>G, p.His524Arg (NM_001350888.2, NM_001350890.2); c.1562A>G, p.His521Arg (NM_001350891.2); c.1442A>G, p.His481Arg (NM_001350892.2); short protein forms H521R, H481R, H524R, H547R.
Identifiers: ClinVar variation 1898654 (VCV001898654.4), dbSNP rs573244932, ClinGen allele CA7337913.